The following is an entry in ClinVar:

NM_024675.4(PALB2):c.27C>G (p.Leu9=)

Gene: PALB2 (partner and localizer of BRCA2; minus strand). Cytogenetic location: 16p12.2.
Variant type: single nucleotide variant.
Coding change: c.27C>G on transcript NM_024675.4 (MANE Select); coding-DNA position 27, C replaced by G.
Protein change: p.Leu9=; no amino-acid change (leucine 9 retained).
Molecular consequence: synonymous variant.
Genome position (GRCh38, 1-based): chr16:23,641,131, G>C on the plus strand (C>G on the coding strand, the complement: PALB2 is on the minus strand). VCF-style: chr16-23641131-G-C. GRCh37 (hg19) VCF-style: chr16-23652452-G-C.
Identifiers: ClinVar variation 232080 (VCV000232080.19), dbSNP rs749298208, ClinGen allele CA10580063.

ClinVar aggregate classification (germline): Benign/Likely benign. Review status: criteria provided, multiple submitters, no conflicts (2 of 4 stars). 6 submissions from 6 submitters: Benign (2); Likely benign (4). Last evaluated 2025-06-07.

Conditions:
Familial cancer of breast. Also called: BREAST CANCER, FAMILIAL; hereditary breast carcinoma; Hereditary breast cancer. Identifiers: Orphanet 227535, MedGen C0346153, MONDO:0016419, OMIM 114480. Disease mechanism: loss of function.
Hereditary cancer-predisposing syndrome. Also called: Neoplastic Syndromes, Hereditary; Tumor predisposition; Hereditary Cancer Syndrome; Hereditary neoplastic syndrome. Identifiers: Orphanet 140162, MedGen C0027672, MeSH D009386, MONDO:0015356.

Submissions (6):

Labcorp Genetics (formerly Invitae), Labcorp
Classification: Likely benign for Familial cancer of breast. Last evaluated: 2025-06-07. Review status: criteria provided, single submitter. Criteria: Invitae Variant Classification Sherloc (09022015). Collection method: clinical testing. Allele origin: germline.

Laboratory of Genetics, Children's Clinical University Hospital Latvia
Classification: Benign. Last evaluated: 2025-02-16. Review status: criteria provided, single submitter. Criteria: ACMG Guidelines, 2015. Collection method: clinical testing. Allele origin: germline. Affected: yes.

Myriad Genetics, Inc.
Classification: Benign for Familial cancer of breast. Last evaluated: 2025-01-09. Review status: criteria provided, single submitter. Criteria: Myriad Autosomal Dominant, Autosomal Recessive and X-Linked Classification Criteria (2023). Collection method: clinical testing. Allele origin: unknown.
Comment: This variant is considered benign. This variant is a silent/synonymous amino acid change and it is not expected to impact splicing.

Color Diagnostics, LLC DBA Color Health
Classification: Likely benign for Hereditary cancer-predisposing syndrome. Last evaluated: 2017-04-28. Review status: criteria provided, single submitter. Criteria: ACMG Guidelines, 2015. Collection method: clinical testing. Allele origin: germline.

GeneDx
Classification: Likely benign. Last evaluated: 2016-01-28. Review status: criteria provided, single submitter. Criteria: GeneDx Variant Classification (06012015). Collection method: clinical testing. Allele origin: germline. Affected: yes.
Comment: This variant is considered likely benign or benign based on one or more of the following criteria: it is a conservative change, it occurs at a poorly conserved position in the protein, it is predicted to be benign by multiple in silico algorithms, and/or has population frequency not consistent with disease.

Ambry Genetics
Classification: Likely benign for Hereditary cancer-predisposing syndrome. Last evaluated: 2015-05-28. Review status: criteria provided, single submitter. Criteria: Ambry Variant Classification Scheme 2023. Collection method: clinical testing. Allele origin: germline.